The following is an entry in ClinVar:

ClinVar aggregate classification (germline): Uncertain significance (1 of 4 stars; one submission).

Conditions:
Catecholaminergic polymorphic ventricular tachycardia 1. Also called: RYR2-Related Catecholaminergic Polymorphic Ventricular Tachycardia; VENTRICULAR TACHYCARDIA, STRESS-INDUCED POLYMORPHIC 1; VENTRICULAR TACHYCARDIA, CATECHOLAMINERGIC POLYMORPHIC, 1, WITH OR WITHOUT ATRIAL DYSFUNCTION AND/OR DILATED CARDIOMYOPATHY. Identifiers: Orphanet 3286, MedGen C1631597, MONDO:0011484, OMIM 604772.

Submission:

Labcorp Genetics (formerly Invitae), Labcorp
Classification: Uncertain significance for Catecholaminergic polymorphic ventricular tachycardia 1. Last evaluated: 2022-01-20. Review status: criteria provided, single submitter. Criteria: Invitae Variant Classification Sherloc (09022015). Collection method: clinical testing. Allele origin: germline.
Comment: This variant is not present in population databases (gnomAD no frequency). This variant has not been reported in the literature in individuals affected with RYR2-related conditions. Advanced modeling of protein sequence and biophysical properties (such as structural, functional, and spatial information, amino acid conservation, physicochemical variation, residue mobility, and thermodynamic stability) performed at Invitae indicates that this missense variant is not expected to disrupt RYR2 protein function. In summary, the available evidence is currently insufficient to determine the role of this variant in disease. Therefore, it has been classified as a Variant of Uncertain Significance. This sequence change replaces lysine, which is basic and polar, with asparagine, which is neutral and polar, at codon 3144 of the RYR2 protein (p.Lys3144Asn).

NM_001035.3(RYR2):c.9432G>C (p.Lys3144Asn)

Gene: RYR2 (ryanodine receptor 2; plus strand). Cytogenetic location: 1q43.
Variant type: single nucleotide variant.
Coding change: c.9432G>C on transcript NM_001035.3 (MANE Select); coding-DNA position 9432, G replaced by C.
Protein change: p.Lys3144Asn; replaces lysine 3144 with asparagine.
Molecular consequence: missense variant.
Genome position (GRCh38, 1-based): chr1:237,702,042, G>C. VCF-style: chr1-237702042-G-C. GRCh37 (hg19) VCF-style: chr1-237865342-G-C.
Other names: short protein forms K3144N.
Identifiers: ClinVar variation 2088444 (VCV002088444.4), dbSNP rs367780360, ClinGen allele CA345406422.